The following is an entry in ClinVar:

ClinVar aggregate classification (germline): Uncertain significance (1 of 4 stars; one submission).

Conditions:
Saldino-Mainzer syndrome (SRTD9). Also called: CONORENAL SYNDROME; Renal dysplasia, retinal pigmentary dystrophy, cerebellar ataxia and skeletal dysplasia; SHORT-RIB THORACIC DYSPLASIA 9 WITHOUT POLYDACTYLY; short-rib thoracic dysplasia 9 with or without polydactyly. Identifiers: Orphanet 140969, MedGen C1849437, MONDO:0009964, OMIM 266920.

Submission:

Labcorp Genetics (formerly Invitae), Labcorp
Classification: Uncertain significance for Saldino-Mainzer syndrome. Last evaluated: 2025-10-01. Review status: criteria provided, single submitter. Criteria: Invitae Variant Classification Sherloc (09022015). Collection method: clinical testing. Allele origin: germline.
Comment: This sequence change replaces glycine, which is neutral and non-polar, with alanine, which is neutral and non-polar, at codon 50 of the IFT140 protein (p.Gly50Ala). This variant is not present in population databases (gnomAD no frequency). This variant has not been reported in the literature in individuals affected with IFT140-related conditions. An algorithm developed to predict the effect of missense changes on protein structure and function (PolyPhen-2) suggests that this variant is likely to be disruptive. In summary, the available evidence is currently insufficient to determine the role of this variant in disease. Therefore, it has been classified as a Variant of Uncertain Significance.

NM_014714.4(IFT140):c.149G>C (p.Gly50Ala)

Genes: IFT140 (intraflagellar transport 140; minus strand), LOC105371046 (uncharacterized LOC105371046; plus strand). Cytogenetic location: 16p13.3.
Variant type: single nucleotide variant.
Coding change: c.149G>C on transcript NM_014714.4 (MANE Select); coding-DNA position 149, G replaced by C.
Protein change: p.Gly50Ala; replaces glycine 50 with alanine.
Molecular consequence: missense variant.
Genome position (GRCh38, 1-based): chr16:1,602,590, C>G on the plus strand (G>C on the coding strand, the complement: IFT140 is on the minus strand). VCF-style: chr16-1602590-C-G. GRCh37 (hg19) VCF-style: chr16-1652591-C-G.
Other names: short protein forms G50A.
Identifiers: ClinVar variation 4772739 (VCV004772739.1).
Genomic context (GRCh38, chr16:1,602,590, plus strand): 5'-TGCCAGCACAGGGAAGCAACCCGGAACGGCCTCTCGACGTGTGTATCTGGCACGCACTCC[C>G]CCTGCATTGGATGAGAGGCAAATTCCCACAGTTCAGAGAGGGACAGCTACTTTTAAGAAC-3'
Protein context (NP_055529.2, residues 40-60): TGSVDIYLEQ[Gly50Ala]ECVPDTHVER